The following is an entry in ClinVar:

NM_000458.4(HNF1B):c.1654-11_1654-9delinsC

Gene: HNF1B (HNF1 homeobox B; minus strand). Cytogenetic location: 17q12.
Variant type: Indel.
Coding change: c.1654-11_1654-9delinsC on transcript NM_000458.4 (MANE Select); 11 bases into the intron before coding-DNA position 1654 through 9 bases into the intron before coding-DNA position 1654, TCT replaced by C.
Molecular consequence: intron variant.
Genome position (GRCh38, 1-based): chr17:37,687,401-37,687,403, AGA replaced by G on the plus strand (TCT replaced by C on the coding strand, the reverse complement: HNF1B is on the minus strand). VCF-style: chr17-37687401-AGA-G. GRCh37 (hg19) VCF-style: chr17-36047404-AGA-G.
Other names: c.1654-11_1654-9delTCTinsC (NM_000458.2); c.1262-11_1262-9delinsC (NM_001304286.2); c.1576-11_1576-9delinsC (NM_001165923.4).
Identifiers: ClinVar variation 36842 (VCV000036842.4), dbSNP rs386134268, ClinGen allele CA214352.

ClinVar aggregate classification (germline): Uncertain significance. Review status: criteria provided, multiple submitters, no conflicts (2 of 4 stars). 3 submissions from 3 submitters: Uncertain significance (3). Last evaluated 2017-02-14.

Conditions:
Maturity-onset diabetes of the young (MODY). Also called: Maturity onset diabetes mellitus in young. Identifiers: Orphanet 552, MedGen C0342276, MONDO:0018911, HP:0004904.
Renal cysts and diabetes syndrome (RCAD). Also called: MATURITY-ONSET DIABETES OF THE YOUNG, TYPE 5; Familial hypoplastic, glomerulocystic kidney. Identifiers: Orphanet 93111, MedGen C0431693, MONDO:0007669, OMIM 137920.

Submissions (3):

Athena Diagnostics
Classification: Uncertain significance. Last evaluated: 2017-02-14. Review status: criteria provided, single submitter. Criteria: Athena Diagnostics Criteria. Collection method: clinical testing. Allele origin: germline.

Women's Health and Genetics/Laboratory Corporation of America, LabCorp
Classification: Uncertain significance for MODY5. Last evaluated: 2011-08-18. Review status: criteria provided, single submitter. Criteria: LabCorp Variant Classification Summary - May 2015. Collection method: curation, clinical testing. Allele origin: germline. Inheritance: autosomal unknown. Affected: yes.
ClinVar note: Converted during submission from uncertain to Uncertain significance.

Clinical Genomics, Uppaluri K&H Personalized Medicine Clinic
Classification: Uncertain significance for Maturity-onset diabetes of the young. Review status: criteria provided, single submitter. Criteria: K & H Uppaluri Personalized Medicine Clinic Variant Classification & Assertion Criteria_Updated V.1. Collection method: research. Allele origin: unknown. Inheritance: Autosomal dominant inheritance.
Comment: HNF1B gene mutations are associated with early onset diabetes and pancreatic atrophy. It is also associated with multiple renal manifestations including renal cysts, Tubulointerstitial disease, glomerulocystic disease, renal hypoplasia, hypomagnesemia. However no sufficient evidence is found to ascertain the role of this particular variant rs386134268, yet.

Literature cited by the submitters: PubMed 24897035 (cited by Clinical Genomics, Uppaluri K&H Personalized Medicine Clinic); PubMed 25536396 (cited by Clinical Genomics, Uppaluri K&H Personalized Medicine Clinic); PubMed 27615128 (cited by Clinical Genomics, Uppaluri K&H Personalized Medicine Clinic); PubMed 28215227 (cited by Clinical Genomics, Uppaluri K&H Personalized Medicine Clinic); PubMed 33434175 (cited by Clinical Genomics, Uppaluri K&H Personalized Medicine Clinic); PubMed 25741167 (cited by Clinical Genomics, Uppaluri K&H Personalized Medicine Clinic); PubMed 26340261 (cited by Clinical Genomics, Uppaluri K&H Personalized Medicine Clinic); PubMed 19639018 (cited by Clinical Genomics, Uppaluri K&H Personalized Medicine Clinic).